The following is an entry in ClinVar:

ClinVar aggregate classification (germline): Pathogenic (1 of 4 stars; one submission).

Submission:

Labcorp Genetics (formerly Invitae), Labcorp
Classification: Pathogenic. Last evaluated: 2021-11-14. Review status: criteria provided, single submitter. Criteria: Invitae Variant Classification Sherloc (09022015). Collection method: clinical testing. Allele origin: germline.
Comment: This sequence change creates a premature translational stop signal (p.Gln1196Serfs*15) in the ARID1B gene. It is expected to result in an absent or disrupted protein product. Loss-of-function variants in ARID1B are known to be pathogenic (PMID: 25674384, 30349098). For these reasons, this variant has been classified as Pathogenic. This variant is also known as g.157510805-AC-A. This premature translational stop signal has been observed in individual(s) with developmental disorder (PMID: 31785789). This variant is not present in population databases (gnomAD no frequency).

Literature cited by the submitters: PubMed 25674384; PubMed 30349098; PubMed 31785789.

NM_001374828.1(ARID1B):c.3955del (p.Gln1319fs)

Gene: ARID1B (AT-rich interaction domain 1B; plus strand). Cytogenetic location: 6q25.3.
Variant type: Deletion.
Coding change: c.3955del on transcript NM_001374828.1 (MANE Select); coding-DNA position 3955, one base deleted (C; older notation c.3955delC).
Protein change: p.Gln1319fs; shifts the reading frame from glutamine 1319.
Molecular consequence: frameshift variant.
Genome position (GRCh38, 1-based): chr6:157,189,677, C deleted; the last of 6 consecutive C bases (chr6:157,189,672-157,189,677); deleting any one gives the same sequence. VCF-style (leftmost placement, unchanged base first): chr6-157189671-AC-A. GRCh37 (hg19) VCF-style: chr6-157510805-AC-A.
Other names: c.1456del, p.Gln486fs (NM_001363725.2); c.3835del, p.Gln1279fs (NM_001371656.1, NM_001374820.1); c.3796del, p.Gln1266fs (NM_017519.3); short protein forms Q486fs, Q1266fs, Q1279fs, Q1319fs.
Identifiers: ClinVar variation 1356846 (VCV001356846.6), dbSNP rs1289067120, ClinGen allele CA645564740.
Genomic context (GRCh38, chr6:157,189,671, plus strand): 5'-TTCCTGTTTCTCTTGGTGCTGCTACTATCAGCTAACTCGGGATCCTTGCAAGGCCCACAG[AC>A]CCCCCAGTCAACTGGCAGCAATTCCATGGCAGAGGTTCCAGGTGACCTGAAGCCACCTAC-3'